The following is an entry in ClinVar:

ClinVar aggregate classification (germline): Likely benign. Review status: criteria provided, multiple submitters, no conflicts (2 of 4 stars). 5 submissions from 5 submitters: Likely benign (5). Last evaluated 2026-08-01.

Conditions:
Inborn genetic diseases. Identifiers: MedGen C0950123, MeSH D030342.
Early-infantile DEE. Also called: Early infantile epileptic encephalopathy; Early infantile epileptic encephalopathy with suppression bursts; Ohtahara syndrome. Identifiers: Orphanet 1934, MedGen C0393706, MONDO:0800491.

Allele frequency attached by ClinVar (database versions not stated): gnomAD 0.00005 and 0.00006; TOPMed 0.00005; gnomAD exomes 0.00006 and 0.00010; ESP Exome Variant Server 0.00008; ExAC 0.00012.
gnomAD v4.1: 99 of 1,613,872 alleles (0.0061%); highest among the groups gnomAD compares: Non-Finnish European, 0.0081%; no homozygotes.

Submissions (5):

CeGaT Center for Human Genetics Tuebingen
Classification: Likely benign. Last evaluated: 2026-08-01. Review status: criteria provided, single submitter. Criteria: CeGaT Center For Human Genetics Tuebingen Variant Classification Criteria Version 2. Collection method: clinical testing. Allele origin: germline. Affected: yes. Observed: 6 variant alleles.
Comment: SCN8A: BP4, BP7

Labcorp Genetics (formerly Invitae), Labcorp
Classification: Likely benign for Early-infantile DEE. Last evaluated: 2025-10-13. Review status: criteria provided, single submitter. Criteria: Invitae Variant Classification Sherloc (09022015). Collection method: clinical testing. Allele origin: germline.

Blueprint Genetics
Classification: Likely benign. Last evaluated: 2024-09-12. Review status: criteria provided, single submitter. Criteria: ACMG Guidelines, 2015. Collection method: clinical testing. Allele origin: germline.

GeneDx
Classification: Likely benign. Last evaluated: 2019-03-15. Review status: criteria provided, single submitter. Criteria: GeneDx Variant Classification Process June 2021. Collection method: clinical testing. Allele origin: germline. Affected: yes.

Ambry Genetics
Classification: Likely benign for Inborn genetic diseases. Last evaluated: 2017-05-25. Review status: criteria provided, single submitter. Criteria: Ambry Variant Classification Scheme 2023. Collection method: clinical testing. Allele origin: germline.

NM_001330260.2(SCN8A):c.858A>T (p.Ile286=)

Gene: SCN8A (sodium voltage-gated channel alpha subunit 8; plus strand). Cytogenetic location: 12q13.13.
Variant type: single nucleotide variant.
Coding change: c.858A>T on transcript NM_001330260.2 (MANE Select); coding-DNA position 858, A replaced by T.
Protein change: p.Ile286=; no amino-acid change (isoleucine 286 retained).
Molecular consequence: synonymous variant.
Genome position (GRCh38, 1-based): chr12:51,699,721, A>T. VCF-style: chr12-51699721-A-T. GRCh37 (hg19) VCF-style: chr12-52093505-A-T.
Other names: c.858A>T, p.Ile286= (NM_001177984.3, NM_001369788.1, NM_014191.4).
Identifiers: ClinVar variation 513889 (VCV000513889.58), dbSNP rs370911858, ClinGen allele CA6571160.